The following is an entry in ClinVar:

ClinVar aggregate classification (germline): Uncertain significance (1 of 4 stars; one submission).

Submission:

Ambry Genetics
Classification: Uncertain significance. Last evaluated: 2021-10-30. Review status: criteria provided, single submitter. Criteria: Ambry Variant Classification Scheme 2023. Collection method: clinical testing. Allele origin: germline.
Comment: The p.G3919E variant (also known as c.11756G>A), located in coding exon 83 of the PRKDC gene, results from a G to A substitution at nucleotide position 11756. The glycine at codon 3919 is replaced by glutamic acid, an amino acid with similar properties. This amino acid position is conserved. Since supporting evidence is limited at this time, the clinical significance of this alteration remains unclear.

NM_006904.7(PRKDC):c.11756G>A (p.Gly3919Glu)

Gene: PRKDC (protein kinase, DNA-activated, catalytic subunit; minus strand). Cytogenetic location: 8q11.21.
Variant type: single nucleotide variant.
Coding change: c.11756G>A on transcript NM_006904.7 (MANE Select); coding-DNA position 11756, G replaced by A.
Protein change: p.Gly3919Glu; replaces glycine 3919 with glutamic acid.
Molecular consequence: missense variant.
Genome position (GRCh38, 1-based): chr8:47,778,556, C>T on the plus strand (G>A on the coding strand, the complement: PRKDC is on the minus strand). VCF-style: chr8-47778556-C-T. GRCh37 (hg19) VCF-style: chr8-48691117-C-T.
Other names: c.11663G>A, p.Gly3888Glu (NM_001081640.2); short protein forms G3919E, G3888E.
Identifiers: ClinVar variation 1740455 (VCV001740455.2), dbSNP rs2551859896, ClinGen allele CA371128634.